The following is an entry in ClinVar:

ClinVar aggregate classification (germline): Benign. Review status: criteria provided, multiple submitters, no conflicts (2 of 4 stars). 2 submissions from 2 submitters: Benign (2). Last evaluated 2026-01-12.

Allele frequency attached by ClinVar (database versions not stated): ESP Exome Variant Server 0.00024; TOPMed 0.00029; gnomAD 0.00054 and 0.00020; gnomAD exomes 0.00086 and 0.00157; ExAC 0.00231; 1000 Genomes Project 30x 0.00328; 1000 Genomes Project 0.00339.
gnomAD v4.1: 1,355 of 1,611,214 alleles (0.084%); highest among the groups gnomAD compares: South Asian, 1.2%; 21 homozygotes.

Submissions (2):

Labcorp Genetics (formerly Invitae), Labcorp
Classification: Benign. Last evaluated: 2026-01-12. Review status: criteria provided, single submitter. Criteria: Invitae Variant Classification Sherloc (09022015). Collection method: clinical testing. Allele origin: germline.

CeGaT Center for Human Genetics Tuebingen
Classification: Benign. Last evaluated: 2025-07-01. Review status: criteria provided, single submitter. Criteria: CeGaT Center For Human Genetics Tuebingen Variant Classification Criteria Version 2. Collection method: clinical testing. Allele origin: germline. Affected: yes. Observed: 4 variant alleles.
Comment: KMT2B: BP4, BS1, BS2

NM_014727.3(KMT2B):c.4918-4G>A

Gene: KMT2B (lysine methyltransferase 2B; plus strand). Cytogenetic location: 19q13.12.
Variant type: single nucleotide variant.
Coding change: c.4918-4G>A on transcript NM_014727.3 (MANE Select); 4 bases into the intron before coding-DNA position 4918, G replaced by A.
Molecular consequence: intron variant.
Genome position (GRCh38, 1-based): chr19:35,729,963, G>A. VCF-style: chr19-35729963-G-A. GRCh37 (hg19) VCF-style: chr19-36220864-G-A.
Identifiers: ClinVar variation 775580 (VCV000775580.32), dbSNP rs201053288, ClinGen allele CA9385257.